The following is an entry in ClinVar:

NM_000320.3(QDPR):c.396G>A (p.Leu132=)

Gene: QDPR (quinoid dihydropteridine reductase; minus strand). Cytogenetic location: 4p15.32.
Variant type: single nucleotide variant.
Coding change: c.396G>A on transcript NM_000320.3 (MANE Select); coding-DNA position 396, G replaced by A.
Protein change: p.Leu132=; no amino-acid change (leucine 132 retained).
Molecular consequence: synonymous variant. On other transcripts: non-coding transcript variant (1).
Genome position (GRCh38, 1-based): chr4:17,501,759, C>T on the plus strand (G>A on the coding strand, the complement: QDPR is on the minus strand). VCF-style: chr4-17501759-C-T. GRCh37 (hg19) VCF-style: chr4-17503382-C-T.
Other names: p.Leu132=; c.303G>A, p.Leu101= (NM_001306140.2).
Identifiers: ClinVar variation 255819 (VCV000255819.23), dbSNP rs2597775, ClinGen allele CA2868133.

ClinVar aggregate classification (germline): Benign. Review status: criteria provided, multiple submitters, no conflicts (2 of 4 stars). 10 submissions from 10 submitters: Benign (8). 2 of the submissions do not count toward it. Last evaluated 2026-02-04.

Conditions:
Dihydropteridine reductase deficiency (HPABH4C). Also called: BH4-Deficient Hyperphenylalaninemia C; HYPERPHENYLALANINEMIA, TETRAHYDROBIOPTERIN-DEFICIENT, DUE TO DHPR DEFICIENCY; Hyperphenylalaninemia due to dihydropteridine reductase deficiency; Hyperphenylalaninemia, BH-4-deficient, C; Phenylketonuria type 2; QDPR DEFICIENCY. Identifiers: Orphanet 226, Orphanet 238583, MedGen C0268465, MONDO:0009862, OMIM 261630.

Allele frequency attached by ClinVar (database versions not stated): TOPMed 0.27071; gnomAD 0.28406 and 0.28493; ESP Exome Variant Server 0.29871; ExAC 0.28794; gnomAD exomes 0.28146; 1000 Genomes Project 0.23243; 1000 Genomes Project 30x 0.23314.
gnomAD v4.1: 511,616 of 1,613,742 alleles (32%); highest among the groups gnomAD compares: Middle Eastern, 42%; 84,985 homozygotes.

Submissions (10):

Labcorp Genetics (formerly Invitae), Labcorp
Classification: Benign for Dihydropteridine reductase deficiency. Last evaluated: 2026-02-04. Review status: criteria provided, single submitter. Criteria: Invitae Variant Classification Sherloc (09022015). Collection method: clinical testing. Allele origin: germline.

ARUP Laboratories, Molecular Genetics and Genomics, ARUP Laboratories
Classification: Benign for Dihydropteridine reductase deficiency. Last evaluated: 2025-07-17. Review status: criteria provided, single submitter. Criteria: ARUP Molecular Germline Variant Investigation Process 2024. Collection method: clinical testing. Allele origin: germline.

Mayo Clinic Laboratories, Mayo Clinic
Classification: Benign. Last evaluated: 2024-09-12. Review status: criteria provided, single submitter. Criteria: ACMG Guidelines, 2015. Collection method: clinical testing. Allele origin: germline. Observed: 19 variant alleles.
Comment: BA1, BP4, BP7

Genome-Nilou Lab
Classification: Benign for Dihydropteridine reductase deficiency. Last evaluated: 2021-11-07. Review status: criteria provided, single submitter. Criteria: ACMG Guidelines, 2015. Collection method: clinical testing. Allele origin: germline. Affected: no.

Illumina Laboratory Services, Illumina
Classification: Benign for Dihydropteridine reductase deficiency. Last evaluated: 2018-01-12. Review status: criteria provided, single submitter. Criteria: ICSL Variant Classification Criteria 13 December 2019. Collection method: clinical testing. Allele origin: germline.
Comment: This variant was observed in the ICSL laboratory as part of a predisposition screen in an ostensibly healthy population. It had not been previously curated by ICSL or reported in the Human Gene Mutation Database (HGMD: prior to June 1st, 2018), and was therefore a candidate for classification through an automated scoring system. Utilizing variant allele frequency, disease prevalence and penetrance estimates, and inheritance mode, an automated score was calculated to assess if this variant is too frequent to cause the disease. Based on the score and internal cut-off values, a variant classified as benign is not then subjected to further curation. The score for this variant resulted in a classification of benign for this disease.

GeneDx
Classification: Benign. Last evaluated: 2015-03-03. Review status: criteria provided, single submitter. Criteria: GeneDx Variant Classification Process June 2021. Collection method: clinical testing. Allele origin: germline. Affected: yes.

Breakthrough Genomics
Classification: Benign. Review status: criteria provided, single submitter. Criteria: ACMG Guidelines, 2015. Collection method: not provided. Allele origin: germline. Inheritance: Autosomal recessive inheritance. Affected: yes.

PreventionGenetics, part of Exact Sciences
Classification: Benign. Review status: criteria provided, single submitter. Criteria: ACMG Guidelines, 2015. Collection method: clinical testing. Allele origin: germline.

Clinical Genetics, Academic Medical Center
Classification: Benign. Review status: no assertion criteria provided. Collection method: clinical testing. Allele origin: germline. Affected: yes. Study: VKGL Data-share Consensus. Not counted in ClinVar's aggregate classification.

Diagnostic Laboratory, Department of Genetics, University Medical Center Groningen
Classification: Benign for Dihydropteridine reductase deficiency. Review status: no assertion criteria provided. Collection method: clinical testing. Allele origin: germline. Affected: yes. Study: VKGL Data-share Consensus. Not counted in ClinVar's aggregate classification.

Literature cited by the submitters: PubMed 37818795 (cited by Mayo Clinic Laboratories, Mayo Clinic).